The following is an entry in ClinVar:

NM_183075.3(CYP2U1):c.503C>T (p.Ala168Val)

Gene: CYP2U1 (cytochrome P450 family 2 subfamily U member 1; plus strand). Cytogenetic location: 4q25.
Variant type: single nucleotide variant.
Coding change: c.503C>T on transcript NM_183075.3 (MANE Select); coding-DNA position 503, C replaced by T.
Protein change: p.Ala168Val; replaces alanine 168 with valine.
Molecular consequence: missense variant.
Genome position (GRCh38, 1-based): chr4:107,944,982, C>T. VCF-style: chr4-107944982-C-T. GRCh37 (hg19) VCF-style: chr4-108866138-C-T.
Other names: short protein forms A168V.
Identifiers: ClinVar variation 2181867 (VCV002181867.3), dbSNP rs762857524, ClinGen allele CA3037018.

ClinVar aggregate classification (germline): Uncertain significance (1 of 4 stars; one submission).

Conditions:
Spastic paraplegia. Identifiers: MedGen C0037772, HP:0001258.

Allele frequency attached by ClinVar (database versions not stated): gnomAD exomes below 0.00001; ExAC 0.00001; TOPMed 0.00001.

Submission:

Labcorp Genetics (formerly Invitae), Labcorp
Classification: Uncertain significance for Spastic paraplegia. Last evaluated: 2024-06-04. Review status: criteria provided, single submitter. Criteria: Invitae Variant Classification Sherloc (09022015). Collection method: clinical testing. Allele origin: germline.
Comment: This sequence change replaces alanine, which is neutral and non-polar, with valine, which is neutral and non-polar, at codon 168 of the CYP2U1 protein (p.Ala168Val). This variant is present in population databases (rs762857524, gnomAD 0.006%). This missense change has been observed in individual(s) with hereditary spastic paraplegia (Invitae). In at least one individual the data is consistent with being in trans (on the opposite chromosome) from a pathogenic variant. ClinVar contains an entry for this variant (Variation ID: 2181867). Advanced modeling of protein sequence and biophysical properties (such as structural, functional, and spatial information, amino acid conservation, physicochemical variation, residue mobility, and thermodynamic stability) performed at Invitae indicates that this missense variant is not expected to disrupt CYP2U1 protein function with a negative predictive value of 95%. In summary, the available evidence is currently insufficient to determine the role of this variant in disease. Therefore, it has been classified as a Variant of Uncertain Significance.